The following is an entry in ClinVar:

NM_024577.4(SH3TC2):c.1901G>C (p.Arg634Thr)

Gene: SH3TC2 (SH3 domain and tetratricopeptide repeats 2; minus strand). Cytogenetic location: 5q32.
Variant type: single nucleotide variant.
Coding change: c.1901G>C on transcript NM_024577.4 (MANE Select); coding-DNA position 1901, G replaced by C.
Protein change: p.Arg634Thr; replaces arginine 634 with threonine.
Molecular consequence: missense variant.
Genome position (GRCh38, 1-based): chr5:149,027,831, C>G on the plus strand (G>C on the coding strand, the complement: SH3TC2 is on the minus strand). VCF-style: chr5-149027831-C-G. GRCh37 (hg19) VCF-style: chr5-148407394-C-G.
Other names: short protein forms R634T.
Identifiers: ClinVar variation 961031 (VCV000961031.8), dbSNP rs1293958398, ClinGen allele CA361667491.
Genomic context (GRCh38, chr5:149,027,831, plus strand): 5'-GGCAGGACCTCCTCGTGCCGGCCTAGGCTCAGGAGCAAGCGGATGGCCAGAAAGCAGGCC[C>G]TGGCCTCCAGCGGGCTGCTGCCCACCACAATCCCCTGGCGCAGCACGTAGGCCACCACGT-3'
Protein context (NP_078853.2, residues 624-644): IVVGSSPLEA[Arg634Thr]ACFLAIRLLL

ClinVar aggregate classification (germline): Uncertain significance. Review status: criteria provided, multiple submitters, no conflicts (2 of 4 stars). 2 submissions from 2 submitters: Uncertain significance (2). Last evaluated 2024-02-25.

Conditions:
Charcot-Marie-Tooth disease type 4. Also called: Charcot-Marie-Tooth disease, type IV; Charcot-Marie-Tooth, Type 4. Identifiers: Orphanet 64749, MedGen C4082197, MONDO:0018995.

Allele frequency attached by ClinVar (database versions not stated): gnomAD exomes below 0.00001; TOPMed 0.00002; gnomAD 0.00003 and 0.00004.
gnomAD v4.1: 7 of 1,613,758 alleles (0.00043%); highest among the groups gnomAD compares: African/African-American, 0.0093%; no homozygotes.

Submissions (2):

GeneDx
Classification: Uncertain significance. Last evaluated: 2024-02-25. Review status: criteria provided, single submitter. Criteria: GeneDx Variant Classification Process June 2021. Collection method: clinical testing. Allele origin: germline. Affected: yes.
Comment: Not observed at significant frequency in large population cohorts (gnomAD); In silico analysis supports that this missense variant has a deleterious effect on protein structure/function; Has not been previously published as pathogenic or benign to our knowledge

Labcorp Genetics (formerly Invitae), Labcorp
Classification: Uncertain significance for Charcot-Marie-Tooth disease type 4. Last evaluated: 2022-10-24. Review status: criteria provided, single submitter. Criteria: Invitae Variant Classification Sherloc (09022015). Collection method: clinical testing. Allele origin: germline.
Comment: This sequence change replaces arginine, which is basic and polar, with threonine, which is neutral and polar, at codon 634 of the SH3TC2 protein (p.Arg634Thr). This variant is not present in population databases (gnomAD no frequency). This missense change has been observed in individual(s) with clinical features of Charcot-Marie-Tooth disease (Invitae). In at least one individual the data is consistent with being in trans (on the opposite chromosome) from a pathogenic variant. ClinVar contains an entry for this variant (Variation ID: 961031). Algorithms developed to predict the effect of missense changes on protein structure and function (SIFT, PolyPhen-2, Align-GVGD) all suggest that this variant is likely to be disruptive. In summary, the available evidence is currently insufficient to determine the role of this variant in disease. Therefore, it has been classified as a Variant of Uncertain Significance.